The following is an entry in ClinVar:

NM_001009944.3(PKD1):c.12449G>A (p.Arg4150His)

Gene: PKD1 (polycystin 1, transient receptor potential channel interacting; minus strand). Cytogenetic location: 16p13.3.
Variant type: single nucleotide variant.
Coding change: c.12449G>A on transcript NM_001009944.3 (MANE Select); coding-DNA position 12449, G replaced by A.
Protein change: p.Arg4150His; replaces arginine 4150 with histidine.
Molecular consequence: missense variant.
Genome position (GRCh38, 1-based): chr16:2,090,190, C>T on the plus strand (G>A on the coding strand, the complement: PKD1 is on the minus strand). VCF-style: chr16-2090190-C-T. GRCh37 (hg19) VCF-style: chr16-2140191-C-T.
Other names: c.12446G>A, p.Arg4149His (NM_000296.4); short protein forms R4149H, R4150H.
Identifiers: ClinVar variation 1303481 (VCV001303481.16), dbSNP rs36221080, ClinGen allele CA276763584.
Genomic context (GRCh38, chr16:2,090,190, plus strand): 5'-TTGGAGCCCCTGGAGGAGCGAGAGGGCAGCGGCTCCATCCCTTCAAAGCGGACTTTGTGG[C>T]GGAACTGGGGGCGGCACAGGGGCTCAGTCAGTCCGGCTGCACCCTGGGCAGAGCCCAGGG-3'
Protein context (NP_001009944.3, residues 4140-4160): WMGLSKVKEF[Arg4150His]HKVRFEGMEP

ClinVar aggregate classification (germline): Conflicting classifications of pathogenicity. Review status: criteria provided, conflicting classifications (1 of 4 stars). 7 submissions from 7 submitters: Likely pathogenic (3); Uncertain significance (4). Last evaluated 2026-08-06.

Conditions:
PKD1-related disorder. Also called: PKD1-related condition.
Polycystic kidney disease, adult type (PKD1). Also called: POLYCYSTIC KIDNEY DISEASE, ADULT, TYPE I; Polycystic Kidney Disease 1, Autosomal Dominant; Polycystic kidney disease 1; Polycystic kidney disease 1, severe; Polycystic Kidney, Autosomal Dominant; POLYCYSTIC KIDNEY DISEASE 1 WITH OR WITHOUT POLYCYSTIC LIVER DISEASE. Identifiers: MedGen C3149841, MONDO:0008263, OMIM 173900.

Allele frequency attached by ClinVar (database versions not stated): gnomAD exomes below 0.00001.

Submissions (7):

GeneDx
Classification: Uncertain significance. Last evaluated: 2026-08-06. Review status: criteria provided, single submitter. Criteria: GeneDx Variant Classification Process June 2021. Collection method: clinical testing. Allele origin: germline.
Comment: Not observed at significant frequency in large population cohorts (gnomAD); In silico analysis supports that this missense variant has a deleterious effect on protein structure/function; This variant is associated with the following publications: (PMID: 37372416, 26920127)

PreventionGenetics, part of Exact Sciences
Classification: Likely pathogenic for PKD1-related condition. Last evaluated: 2026-04-25. Review status: criteria provided, single submitter. Criteria: ACMG Guidelines, 2015. Collection method: clinical testing. Allele origin: germline.
Comment: The PKD1 c.12449G>A variant is predicted to result in the amino acid substitution p.Arg4150His. This variant was reported in likely unrelated individuals with autosomal dominant polycystic kidney disease (ADPKD) (Mori et al. 2017. PubMed ID: 26920127; Supplementary Table S4, Nigro et al. 2023. PubMed ID: 37372416). In addition, this variant has been found in multiple patients (including the current patient) tested for PKD at PreventionGenetics (internal data), including one affected family member. Of note, a different rare substitution at the same amino acid, defined as c.12448C>T (p.Arg4150Cys), has been reported to be causative for ADPKD (see for example, Garcia-Gonzalez et al. 2007. PubMed ID: 17574468; Supplemental Table 1, Cornec-Le Gall et al. 2013. PubMed ID: 23431072; Supplementary Data, Lindemann et al. 2023. PubMed ID: 36938073; PreventionGenetics, internal data). The c.12449G>A (p.Arg4150His) variant has not been reported in a large population database (gnomAD), indicating this variant is rare. Taken together, this variant is interpreted as likely pathogenic.

Victorian Clinical Genetics Services, Murdoch Childrens Research Institute
Classification: Uncertain significance for Polycystic kidney disease, adult type. Last evaluated: 2025-02-02. Review status: criteria provided, single submitter. Criteria: ACMG Guidelines, 2015. Collection method: clinical testing. Allele origin: germline. Affected: yes.
Comment: This variant is classified as VUS-3B. Evidence in support of pathogenic classification: Variant is present in gnomAD <0.001 for a dominant condition (v4: 1 heterozygote(s), 0 homozygote(s)). Additional information: Variant is predicted to result in a missense amino acid change from arginine to histidine; This variant is heterozygous; This gene is associated with autosomal dominant disease. Polycystic kidney disease 1 (MIM#173900) is predominantly caused by monoallelic variants, with rare reports of biallelic variants causing disease (OMIM); Alternative amino acid change(s) at the same position are present in gnomAD (Highest allele count: v4: 1 heterozygote(s), 0 homozygote(s)); Previous evidence of pathogenicity for this variant is inconclusive. This variant has been classified as a VUS and likely pathogenic by diagnostic laboratories in ClinVar, and as a VUS in the ADPKD database. This variant has also been reported in the literature in an individual with polycystic kidney disease (PMID: 26920127); No published segregation evidence has been identified for this variant; No published functional evidence has been identified for this variant; No comparable missense variants have previous evidence for pathogenicity; Variant is not located in an established domain, motif, hotspot or informative constraint region; Missense variant with inconclusive in silico prediction and uninformative conservation; Loss of function is a known mechanism of disease in this gene and is associated with polycystic kidney disease 1 (MIM#173900); Inheritance information for this variant is not currently available in this individual.

Department of Pathology and Laboratory Medicine, Sinai Health System
Classification: Uncertain significance for Polycystic kidney disease, adult type. Last evaluated: 2024-12-16. Review status: criteria provided, single submitter. Criteria: ACMG Guidelines, 2015. Collection method: clinical testing. Allele origin: germline.

Fulgent Genetics
Classification: Likely pathogenic for Polycystic kidney disease, adult type. Last evaluated: 2023-12-20. Review status: criteria provided, single submitter. Criteria: ACMG Guidelines, 2015. Collection method: clinical testing. Allele origin: germline.

Blueprint Genetics
Classification: Likely pathogenic for PKD1-related disorders. Last evaluated: 2022-11-28. Review status: criteria provided, single submitter. Criteria: ACMG Guidelines, 2015. Collection method: clinical testing. Allele origin: germline. Affected: yes. Observed: 4 variant alleles.

Juno Genomics, Hangzhou Juno Genomics, Inc
Classification: Uncertain significance for Polycystic kidney disease, adult type. Review status: criteria provided, single submitter. Criteria: ACMG Guidelines, 2015. Collection method: clinical testing. Allele origin: germline. Affected: yes.
Comment: Absent from controls (or at extremely low frequency if recessive) in Genome Aggregation Database, Exome Sequencing Project, 1000 Genomes Project, or Exome Aggregation Consortium.;The prevalence of the variant in affected individuals is significantly increased compared to the prevalence in controls.;Patient's phenotype or family history is highly specific for a disease with a single genetic etiology.

Literature cited by the submitters: PubMed 26920127 (cited by Victorian Clinical Genetics Services, Murdoch Childrens Research Institute).